The following is an entry in ClinVar:

ClinVar aggregate classification (germline): Uncertain significance. Review status: criteria provided, multiple submitters, no conflicts (2 of 4 stars). 2 submissions from 2 submitters: Uncertain significance (2). Last evaluated 2022-08-10.

Allele frequency attached by ClinVar (database versions not stated): TOPMed below 0.00001; gnomAD 0.00001; gnomAD exomes 0.00001.

Submissions (2):

Labcorp Genetics (formerly Invitae), Labcorp
Classification: Uncertain significance. Last evaluated: 2022-08-10. Review status: criteria provided, single submitter. Criteria: Invitae Variant Classification Sherloc (09022015). Collection method: clinical testing. Allele origin: germline.
Comment: This sequence change replaces serine, which is neutral and polar, with leucine, which is neutral and non-polar, at codon 70 of the REEP6 protein (p.Ser70Leu). This variant is not present in population databases (gnomAD no frequency). In summary, the available evidence is currently insufficient to determine the role of this variant in disease. Therefore, it has been classified as a Variant of Uncertain Significance. Experimental studies and prediction algorithms are not available or were not evaluated, and the effect of this variant on mRNA splicing is currently unknown. Experimental studies and prediction algorithms are not available or were not evaluated, and the functional significance of this variant is currently unknown. ClinVar contains an entry for this variant (Variation ID: 1007117). This variant has not been reported in the literature in individuals affected with REEP6-related conditions.

Blueprint Genetics
Classification: Uncertain significance. Last evaluated: 2022-02-08. Review status: criteria provided, single submitter. Criteria: ACMG Guidelines, 2015. Collection method: clinical testing. Allele origin: germline.

NM_138393.4(REEP6):c.209C>T (p.Ser70Leu)

Gene: REEP6 (receptor accessory protein 6; plus strand). Cytogenetic location: 19p13.3.
Variant type: single nucleotide variant.
Coding change: c.209C>T on transcript NM_138393.4 (MANE Select); coding-DNA position 209, C replaced by T.
Protein change: p.Ser70Leu; replaces serine 70 with leucine.
Molecular consequence: missense variant.
Genome position (GRCh38, 1-based): chr19:1,495,387, C>T. VCF-style: chr19-1495387-C-T. GRCh37 (hg19) VCF-style: chr19-1495386-C-T.
Other names: c.209C>T, p.Ser70Leu (NM_001329556.3); short protein forms S70L.
Identifiers: ClinVar variation 1007117 (VCV001007117.7), dbSNP rs2084997386, ClinGen allele CA403056546.